The following is an entry in ClinVar:

ClinVar aggregate classification (germline): Uncertain significance. Review status: criteria provided, multiple submitters, no conflicts (2 of 4 stars). 2 submissions from 2 submitters: Uncertain significance (2). Last evaluated 2022-05-24.

Conditions:
Hereditary cancer-predisposing syndrome. Also called: Tumor predisposition; Hereditary Cancer Syndrome; Hereditary neoplastic syndrome; Neoplastic Syndromes, Hereditary. Identifiers: Orphanet 140162, MedGen C0027672, MeSH D009386, MONDO:0015356.
POLD1-related polyposis and colorectal cancer syndrome (CRCS10). Also called: Colorectal cancer 10; COLORECTAL CANCER, SUSCEPTIBILITY TO, ON CHROMOSOME 19q; Colorectal cancer, susceptibility to, 10. Identifiers: Orphanet 220460, MedGen C2675481, MONDO:0012953, OMIM 612591.

Allele frequency attached by ClinVar (database versions not stated): gnomAD exomes 0.00001 and 0.00002; ExAC 0.00007.
gnomAD v4.1: 3 of 1,579,706 alleles (0.00019%); highest among the groups gnomAD compares: Non-Finnish European, 0.00026%; no homozygotes.

Submissions (2):

Ambry Genetics
Classification: Uncertain significance for Hereditary cancer-predisposing syndrome. Last evaluated: 2022-05-24. Review status: criteria provided, single submitter. Criteria: Ambry Variant Classification Scheme 2023. Collection method: clinical testing. Allele origin: germline.
Comment: The p.D496H variant (also known as c.1486G>C), located in coding exon 11 of the POLD1 gene, results from a G to C substitution at nucleotide position 1486. The aspartic acid at codon 496 is replaced by histidine, an amino acid with similar properties. This amino acid position is highly conserved in available vertebrate species. In addition, the in silico prediction for this alteration is inconclusive. Since supporting evidence is limited at this time, the clinical significance of this alteration remains unclear.

Labcorp Genetics (formerly Invitae), Labcorp
Classification: Uncertain significance for POLD1-related polyposis and colorectal cancer syndrome. Last evaluated: 2022-05-16. Review status: criteria provided, single submitter. Criteria: Invitae Variant Classification Sherloc (09022015). Collection method: clinical testing. Allele origin: germline.
Comment: This sequence change replaces aspartic acid, which is acidic and polar, with histidine, which is basic and polar, at codon 496 of the POLD1 protein (p.Asp496His). This variant is present in population databases (rs777809352, gnomAD 0.004%). This variant has not been reported in the literature in individuals affected with POLD1-related conditions. ClinVar contains an entry for this variant (Variation ID: 484398). Algorithms developed to predict the effect of missense changes on protein structure and function are either unavailable or do not agree on the potential impact of this missense change (SIFT: "Deleterious"; PolyPhen-2: "Probably Damaging"; Align-GVGD: "Class C0"). In summary, the available evidence is currently insufficient to determine the role of this variant in disease. Therefore, it has been classified as a Variant of Uncertain Significance.

NM_002691.4(POLD1):c.1486G>C (p.Asp496His)

Gene: POLD1 (DNA polymerase delta 1, catalytic subunit; plus strand). Cytogenetic location: 19q13.33.
Variant type: single nucleotide variant.
Coding change: c.1486G>C on transcript NM_002691.4 (MANE Select); coding-DNA position 1486, G replaced by C.
Protein change: p.Asp496His; replaces aspartic acid 496 with histidine.
Molecular consequence: missense variant. On other transcripts: non-coding transcript variant (1).
Genome position (GRCh38, 1-based): chr19:50,406,509, G>C. VCF-style: chr19-50406509-G-C. GRCh37 (hg19) VCF-style: chr19-50909766-G-C.
Other names: c.1486G>C, p.Asp496His (NM_001256849.1, NM_001308632.1); short protein forms D496H.
Identifiers: ClinVar variation 484398 (VCV000484398.10), dbSNP rs777809352, ClinGen allele CA9596146.
Genomic context (GRCh38, chr19:50,406,509, plus strand): 5'-GCCGTGAGCTTCCACTTCCTGGGCGAGCAGAAGGAGGACGTGCAGCACAGCATCATCACC[G>C]ACCTGCAGGTGCCTGCTGCCTCCCTGACCTCTCACCCCAACCTCTGACCTCCACCTCACC-3'
Protein context (NP_002682.2, residues 486-506): KEDVQHSIIT[Asp496His]LQNGNDQTRR